The following is an entry in ClinVar:

ClinVar aggregate classification (germline): Uncertain significance. Review status: criteria provided, multiple submitters, no conflicts (2 of 4 stars). 2 submissions from 2 submitters: Uncertain significance (2). Last evaluated 2026-03-23.

Allele frequency attached by ClinVar (database versions not stated): TOPMed below 0.00001; gnomAD exomes 0.00001; ExAC 0.00005.
gnomAD v4.1: 12 of 1,614,150 alleles (0.00074%); highest among the groups gnomAD compares: Admixed American, 0.018%; no homozygotes.

Submissions (2):

Women's Health and Genetics/Laboratory Corporation of America, LabCorp
Classification: Uncertain significance. Last evaluated: 2026-03-23. Review status: criteria provided, single submitter. Criteria: LabCorp Variant Classification Summary - May 2015. Collection method: clinical testing. Allele origin: germline.
Comment: Variant summary: SGPL1 c.73A>G (p.Lys25Glu) results in a conservative amino acid change in the encoded protein sequence. Algorithms developed to predict the effect of missense changes on protein structure and function are either unavailable or do not agree on the potential impact of this missense change. The variant allele was found at a frequency of 4e-05 in 251360 control chromosomes. This frequency is not significantly higher than estimated for disease-causing variants in SGPL1, allowing no conclusion about variant significance. To our knowledge, no occurrence of c.73A>G in individuals affected with SGPL1-related conditions and no experimental evidence demonstrating its impact on protein function have been reported. ClinVar contains an entry for this variant (Variation ID: 2164212). Based on the evidence outlined above, the variant was classified as uncertain significance.

Labcorp Genetics (formerly Invitae), Labcorp
Classification: Uncertain significance. Last evaluated: 2022-06-13. Review status: criteria provided, single submitter. Criteria: Invitae Variant Classification Sherloc (09022015). Collection method: clinical testing. Allele origin: germline.
Comment: This sequence change replaces lysine, which is basic and polar, with glutamic acid, which is acidic and polar, at codon 25 of the SGPL1 protein (p.Lys25Glu). This variant is present in population databases (rs768589649, gnomAD 0.03%). This variant has not been reported in the literature in individuals affected with SGPL1-related conditions. Algorithms developed to predict the effect of missense changes on protein structure and function (SIFT, PolyPhen-2, Align-GVGD) all suggest that this variant is likely to be tolerated. In summary, the available evidence is currently insufficient to determine the role of this variant in disease. Therefore, it has been classified as a Variant of Uncertain Significance.

NM_003901.4(SGPL1):c.73A>G (p.Lys25Glu)

Gene: SGPL1 (sphingosine-1-phosphate lyase 1; plus strand). Cytogenetic location: 10q22.1.
Variant type: single nucleotide variant.
Coding change: c.73A>G on transcript NM_003901.4 (MANE Select); coding-DNA position 73, A replaced by G.
Protein change: p.Lys25Glu; replaces lysine 25 with glutamic acid.
Molecular consequence: missense variant.
Genome position (GRCh38, 1-based): chr10:70,844,518, A>G. VCF-style: chr10-70844518-A-G. GRCh37 (hg19) VCF-style: chr10-72604275-A-G.
Other names: short protein forms K25E.
Identifiers: ClinVar variation 2164212 (VCV002164212.2), dbSNP rs768589649, ClinGen allele CA5541081.
Genomic context (GRCh38, chr10:70,844,518, plus strand): 5'-CACTTGTATTTCTAGAAGGCCTTTGAGCCCTACTTAGAGATTTTGGAAGTATACTCCACA[A>G]AAGCCAAGAATTATGTAAATGGACATTGCACCAAGTATGAGCCCTGGCAGCTAATTGCAT-3'
Protein context (NP_003892.2, residues 15-35): YLEILEVYST[Lys25Glu]AKNYVNGHCT